The following is an entry in ClinVar:

NM_153717.3(EVC):c.1219C>T (p.Leu407=)

Gene: EVC (EvC ciliary complex subunit 1; plus strand). Cytogenetic location: 4p16.2.
Variant type: single nucleotide variant.
Coding change: c.1219C>T on transcript NM_153717.3 (MANE Select); coding-DNA position 1219, C replaced by T.
Protein change: p.Leu407=; no amino-acid change (leucine 407 retained).
Molecular consequence: synonymous variant.
Genome position (GRCh38, 1-based): chr4:5,752,956, C>T. VCF-style: chr4-5752956-C-T. GRCh37 (hg19) VCF-style: chr4-5754683-C-T.
Other names: c.1219C>T, p.Leu407= (NM_001306090.2, NM_001306092.2).
Identifiers: ClinVar variation 3044517 (VCV003044517.2), dbSNP rs2475383630, ClinGen allele CA438207766.
Genomic context (GRCh38, chr4:5,752,956, plus strand): 5'-CTGCAAGTCCAGGAGGAGACCAGGTGCCGGCTGGCTGCCATCTCCCACGGCCTGGAGCTG[C>T]TGGCTGGTGAGGGGAAGCTGTCCGGGCGGCAGAAGGAGGAGCTGCTCACGCAGCAGCACA-3'
Protein context (NP_714928.1, residues 397-417): LAAISHGLEL[Leu407=]AGEGKLSGRQ

ClinVar aggregate classification (germline): Likely benign (0 of 4 stars; one submission).

Conditions:
EVC-related disorder. Also called: EVC-related disorders; EVC-related condition.

Submission:

PreventionGenetics, part of Exact Sciences
Classification: Likely benign for EVC-related condition. Last evaluated: 2023-06-27. Review status: no assertion criteria provided. Collection method: clinical testing. Allele origin: germline.
Comment: This variant is classified as likely benign based on ACMG/AMP sequence variant interpretation guidelines (Richards et al. 2015 PMID: 25741868, with internal and published modifications).